The following is an entry in ClinVar:

NM_001367624.2(ZNF469):c.38C>T (p.Thr13Ile)

Gene: ZNF469 (zinc finger protein 469; plus strand). Cytogenetic location: 16q24.2.
Variant type: single nucleotide variant.
Coding change: c.38C>T on transcript NM_001367624.2 (MANE Select); coding-DNA position 38, C replaced by T.
Protein change: p.Thr13Ile; replaces threonine 13 with isoleucine.
Molecular consequence: missense variant.
Genome position (GRCh38, 1-based): chr16:88,427,508, C>T. VCF-style: chr16-88427508-C-T. GRCh37 (hg19) VCF-style: chr16-88493916-C-T.
Other names: NM_001127464.1:c.38C>T; short protein forms T13I.
Identifiers: ClinVar variation 3232802 (VCV003232802.1), dbSNP rs1162425645, ClinGen allele CA397057510.

ClinVar aggregate classification (germline): Uncertain significance (1 of 4 stars; one submission).

Conditions:
Cardiovascular phenotype. Identifiers: MedGen CN230736.

gnomAD v4.1: 1 of 1,531,826 alleles (0.000065%); highest among the groups gnomAD compares: South Asian, 0.0012%; no homozygotes.

Submission:

Ambry Genetics
Classification: Uncertain significance for Cardiovascular phenotype. Last evaluated: 2024-02-23. Review status: criteria provided, single submitter. Criteria: Ambry Variant Classification Scheme 2023. Collection method: clinical testing. Allele origin: germline.
Comment: The p.T13I variant (also known as c.38C>T), located in coding exon 1 of the ZNF469 gene, results from a C to T substitution at nucleotide position 38. The threonine at codon 13 is replaced by isoleucine, an amino acid with similar properties. This amino acid position is conserved. In addition, this alteration is predicted to be tolerated by in silico analysis. Based on the available evidence, the clinical significance of this alteration remains unclear.